The following is an entry in ClinVar:

NM_004370.6(COL12A1):c.5794T>C (p.Leu1932=)

Gene: COL12A1 (collagen type XII alpha 1 chain; minus strand). Cytogenetic location: 6q13.
Variant type: single nucleotide variant.
Coding change: c.5794T>C on transcript NM_004370.6 (MANE Select); coding-DNA position 5794, T replaced by C.
Protein change: p.Leu1932=; no amino-acid change (leucine 1932 retained).
Molecular consequence: synonymous variant.
Genome position (GRCh38, 1-based): chr6:75,133,293, A>G on the plus strand (T>C on the coding strand, the complement: COL12A1 is on the minus strand). VCF-style: chr6-75133293-A-G. GRCh37 (hg19) VCF-style: chr6-75843009-A-G.
Other names: c.5794T>C (NM_004370.5); c.5794T>C, p.Leu1932= (NM_001424113.1); c.5773T>C, p.Leu1925= (NM_001424114.1); c.5521T>C, p.Leu1841= (NM_001424115.1); c.2302T>C, p.Leu768= (NM_001424116.1, NM_080645.3).
Identifiers: ClinVar variation 2926031 (VCV002926031.5), dbSNP rs1247137802, ClinGen allele CA450921600.

ClinVar aggregate classification (germline): Uncertain significance. Review status: criteria provided, single submitter (1 of 4 stars). 2 submissions from 2 submitters: Uncertain significance (1). 1 of the submissions does not count toward it. Last evaluated 2023-12-21.

Conditions:
COL12A1-related disorder. Also called: COL12A1-related condition.
Ullrich congenital muscular dystrophy 2 (UCMD2). Identifiers: Orphanet 75840, MedGen C4225314, MONDO:0014654, OMIM 616470.
Bethlem myopathy 2 (BTHLM2). Identifiers: Orphanet 536516, Orphanet 610, MedGen C4225313, MONDO:0034022, OMIM 616471.

Allele frequency attached by ClinVar (database versions not stated): TOPMed below 0.00001.
gnomAD v4.1: 25 of 1,581,760 alleles (0.0016%); highest among the groups gnomAD compares: Non-Finnish European, 0.0021%; no homozygotes.

Submissions (2):

Labcorp Genetics (formerly Invitae), Labcorp
Classification: Uncertain significance for Bethlem myopathy 2; Ullrich congenital muscular dystrophy 2. Last evaluated: 2023-12-21. Review status: criteria provided, single submitter. Criteria: Invitae Variant Classification Sherloc (09022015). Collection method: clinical testing. Allele origin: germline.
Comment: This sequence change affects codon 1932 of the COL12A1 mRNA. It is a 'silent' change, meaning that it does not change the encoded amino acid sequence of the COL12A1 protein. It affects a nucleotide within the consensus splice site. This variant is not present in population databases (gnomAD no frequency). This variant has not been reported in the literature in individuals affected with COL12A1-related conditions. Algorithms developed to predict the effect of sequence changes on RNA splicing suggest that this variant is not likely to affect RNA splicing. In summary, the available evidence is currently insufficient to determine the role of this variant in disease. Therefore, it has been classified as a Variant of Uncertain Significance.

PreventionGenetics, part of Exact Sciences
Classification: Likely benign for COL12A1-related condition. Last evaluated: 2023-04-12. Review status: no assertion criteria provided. Collection method: clinical testing. Allele origin: germline. Not counted in ClinVar's aggregate classification.
Comment: This variant is classified as likely benign based on ACMG/AMP sequence variant interpretation guidelines (Richards et al. 2015 PMID: 25741868, with internal and published modifications).